The following is an entry in ClinVar:

NM_024596.5(MCPH1):c.1193C>T (p.Ala398Val)

Gene: MCPH1 (microcephalin 1; plus strand). Cytogenetic location: 8p23.1.
Variant type: single nucleotide variant.
Coding change: c.1193C>T on transcript NM_024596.5 (MANE Select); coding-DNA position 1193, C replaced by T.
Protein change: p.Ala398Val; replaces alanine 398 with valine.
Molecular consequence: missense variant. On other transcripts: non-coding transcript variant (1).
Genome position (GRCh38, 1-based): chr8:6,444,915, C>T. VCF-style: chr8-6444915-C-T. GRCh37 (hg19) VCF-style: chr8-6302436-C-T.
Other names: c.1193C>T, p.Ala398Val (NM_001172574.2, NM_001322042.2, NM_001363979.1 and 1 more transcripts); c.1049C>T, p.Ala350Val (NM_001172575.2); c.1187C>T, p.Ala396Val (NM_001322043.2); c.1091C>T, p.Ala364Val (NM_001322045.2); short protein forms A398V, A396V, A364V, A350V.
Identifiers: ClinVar variation 211445 (VCV000211445.21), dbSNP rs202241113, ClinGen allele CA209101.

ClinVar aggregate classification (germline): Conflicting classifications of pathogenicity. Review status: criteria provided, conflicting classifications (1 of 4 stars). 4 submissions from 4 submitters: Uncertain significance (2); Likely benign (2). Last evaluated 2026-02-01.

Conditions:
Microcephaly 1, primary, autosomal recessive (MCPH1). Also called: PREMATURE CHROMOSOME CONDENSATION SYNDROME; PCC SYNDROME; PREMATURE CHROMOSOME CONDENSATION WITH MICROCEPHALY AND MENTAL RETARDATION. Identifiers: Orphanet 2512, MedGen C1855081, MONDO:0009617, OMIM 251200.

Allele frequency attached by ClinVar (database versions not stated): TOPMed 0.00031; ExAC 0.00070; gnomAD 0.00078 and 0.00080; gnomAD exomes 0.00094.
gnomAD v4.1: 646 of 1,614,104 alleles (0.04%); highest among the groups gnomAD compares: Admixed American, 0.12%; 4 homozygotes.

Submissions (4):

CeGaT Center for Human Genetics Tuebingen
Classification: Likely benign. Last evaluated: 2026-02-01. Review status: criteria provided, single submitter. Criteria: CeGaT Center For Human Genetics Tuebingen Variant Classification Criteria Version 2. Collection method: clinical testing. Allele origin: germline. Affected: yes. Observed: 1 variant allele.
Comment: MCPH1: BP4, BS2

Labcorp Genetics (formerly Invitae), Labcorp
Classification: Likely benign. Last evaluated: 2025-06-25. Review status: criteria provided, single submitter. Criteria: Invitae Variant Classification Sherloc (09022015). Collection method: clinical testing. Allele origin: germline.

Illumina Laboratory Services, Illumina
Classification: Uncertain significance for Microcephaly 1, primary, autosomal recessive. Last evaluated: 2018-01-13. Review status: criteria provided, single submitter. Criteria: ICSL Variant Classification Criteria 13 December 2019. Collection method: clinical testing. Allele origin: germline.

Genetic Services Laboratory, University of Chicago
Classification: Uncertain significance. Last evaluated: 2014-08-12. Review status: criteria provided, single submitter. Criteria: ACMG Guidelines, 2015. Collection method: clinical testing. Allele origin: germline.